The following is an entry in ClinVar:

ClinVar aggregate classification (germline): Likely pathogenic. Review status: criteria provided, multiple submitters, no conflicts (2 of 4 stars). 5 submissions from 5 submitters: Likely pathogenic (4). 1 of the submissions does not count toward it. Last evaluated 2024-07-02.

Conditions:
Autosomal recessive Alport syndrome (ATS2). Also called: ALPORT SYNDROME 2, AUTOSOMAL RECESSIVE; Alport syndrome type 2; COL4A3-Related Nephropathy; COL4A4 Alport Syndrome and Thin Basement Membrane Nephropathy. Identifiers: Orphanet 63, Orphanet 88919, MedGen C4746745, MONDO:0008762, OMIM 203780.
Hematuria, benign familial, 1 (BFH1). Also called: THIN MEMBRANE NEPHROPATHY. Identifiers: MedGen CN376803, MONDO:0007709, OMIM 141200.
Alport syndrome. Also called: Hemorrhagic familial nephritis; Hemorrhagic hereditary nephritis; Congenital hereditary hematuria. Identifiers: Orphanet 63, MedGen C1567741, MONDO:0018965.

Allele frequency attached by ClinVar (database versions not stated): gnomAD exomes below 0.00001; gnomAD 0.00001.
gnomAD v4.1: 3 of 1,584,040 alleles (0.00019%); highest among the groups gnomAD compares: African/African-American, 0.0013%; no homozygotes.

Submissions (5):

Labcorp Genetics (formerly Invitae), Labcorp
Classification: Likely pathogenic. Last evaluated: 2024-07-02. Review status: criteria provided, single submitter. Criteria: Invitae Variant Classification Sherloc (09022015). Collection method: clinical testing. Allele origin: germline.
Comment: This sequence change affects a donor splice site in intron 16 of the COL4A4 gene. It is expected to disrupt RNA splicing. Variants that disrupt the donor or acceptor splice site typically lead to a loss of protein function (PMID: 16199547), and loss-of-function variants in COL4A4 are known to be pathogenic (PMID: 21196518, 24854265, 25307543). This variant is not present in population databases (gnomAD no frequency). This variant has not been reported in the literature in individuals affected with COL4A4-related conditions. ClinVar contains an entry for this variant (Variation ID: 554189). Algorithms developed to predict the effect of sequence changes on RNA splicing suggest that this variant may disrupt the consensus splice site. In summary, the currently available evidence indicates that the variant is pathogenic, but additional data are needed to prove that conclusively. Therefore, this variant has been classified as Likely Pathogenic.

Fulgent Genetics
Classification: Likely pathogenic for Hematuria, benign familial, 1; Autosomal recessive Alport syndrome. Last evaluated: 2024-04-20. Review status: criteria provided, single submitter. Criteria: ACMG Guidelines, 2015. Collection method: clinical testing. Allele origin: germline.

Natera, Inc.
Classification: Likely pathogenic for Alport syndrome. Last evaluated: 2024-03-04. Review status: criteria provided, single submitter. Criteria: Natera Variant Classification Schema (03/2026). Collection method: clinical testing. Allele origin: germline.
Comment: The c.975+1G>A variant in COL4A4 is a canonical splice donor site variant predicted to affect pre-mRNA splicing, which may result in an abnormal transcript and altered protein product. This variant is expected to result in nonsense mediated decay, truncation, or a dysfunctional protein product. This variant is rare in the general population with a frequency below the threshold expected for the associated phenotype(s). Given the available evidence, this variant is classified as Likely Pathogenic.

Molecular Genetics, Royal Melbourne Hospital
Classification: Likely pathogenic for Alport syndrome. Last evaluated: 2023-03-30. Review status: criteria provided, single submitter. Criteria: ACMG Guidelines, 2015. Collection method: clinical testing. Allele origin: germline. Affected: yes.
Comment: This sequence change in COL4A4 occurs within the canonical splice donor site (+ 1) of intron 16. It is predicted to cause skipping of biologically-relevant-exon 16/48, resulting in an in-frame deletion (removes amino acids 311-325) that is predicted to escape nonsense mediated decay and remove multiple collagen triple helix repeats (Gly-X-Y). This variant is present in a single individual in the African/African American population in gnomAD v3.1 (1/41,432 alleles). It has been reported as likely pathogenic (ClinVar) and to our knowledge, has not been reported in the relevant medical literature. Based on the classification scheme RMH Modified ACMG Guidelines v1.4.0, this variant is classified as LIKELY PATHOGENIC. Following criteria are met: PVS1_Strong, PM2_Supporting, PM3_Supporting.

Counsyl
Classification: Likely pathogenic for Autosomal recessive Alport syndrome. Last evaluated: 2017-09-29. Review status: no assertion criteria provided. Collection method: clinical testing. Allele origin: unknown. Not counted in ClinVar's aggregate classification.

Literature cited by the submitters: PubMed 16199547 (cited by Labcorp Genetics (formerly Invitae), Labcorp); PubMed 21196518 (cited by Labcorp Genetics (formerly Invitae), Labcorp); PubMed 24854265 (cited by Labcorp Genetics (formerly Invitae), Labcorp); PubMed 25307543 (cited by Labcorp Genetics (formerly Invitae), Labcorp).

NM_000092.5(COL4A4):c.975+1G>A

Gene: COL4A4 (collagen type IV alpha 4 chain; minus strand). Cytogenetic location: 2q36.3.
Variant type: single nucleotide variant.
Coding change: c.975+1G>A on transcript NM_000092.5 (MANE Select); the canonical splice donor site of the intron after coding-DNA position 975, G replaced by A.
Molecular consequence: splice donor variant.
Genome position (GRCh38, 1-based): chr2:227,101,864, C>T on the plus strand (G>A on the coding strand, the complement: COL4A4 is on the minus strand). VCF-style: chr2-227101864-C-T. GRCh37 (hg19) VCF-style: chr2-227966580-C-T.
Identifiers: ClinVar variation 554189 (VCV000554189.15), dbSNP rs1553683192, ClinGen allele CA350856103.